The following is an entry in ClinVar:

ClinVar aggregate classification (germline): Uncertain significance (1 of 4 stars; one submission).

gnomAD v4.1: 1 of 1,613,750 alleles (0.000062%); no homozygotes.

Submission:

Labcorp Genetics (formerly Invitae), Labcorp
Classification: Uncertain significance. Last evaluated: 2022-07-03. Review status: criteria provided, single submitter. Criteria: Invitae Variant Classification Sherloc (09022015). Collection method: clinical testing. Allele origin: germline.
Comment: In summary, the available evidence is currently insufficient to determine the role of this variant in disease. Therefore, it has been classified as a Variant of Uncertain Significance. Algorithms developed to predict the effect of missense changes on protein structure and function are either unavailable or do not agree on the potential impact of this missense change (SIFT: "Deleterious"; PolyPhen-2: "Probably Damaging"; Align-GVGD: "Class C15"). This variant has not been reported in the literature in individuals affected with TRMT5-related conditions. This variant is not present in population databases (gnomAD no frequency). This sequence change replaces proline, which is neutral and non-polar, with leucine, which is neutral and non-polar, at codon 283 of the TRMT5 protein (p.Pro283Leu).

NM_020810.3(TRMT5):c.848C>T (p.Pro283Leu)

Gene: TRMT5 (tRNA methyltransferase 5; minus strand). Cytogenetic location: 14q23.1.
Variant type: single nucleotide variant.
Coding change: c.848C>T on transcript NM_020810.3 (MANE Select); coding-DNA position 848, C replaced by T.
Protein change: p.Pro283Leu; replaces proline 283 with leucine.
Molecular consequence: missense variant.
Genome position (GRCh38, 1-based): chr14:60,976,071, G>A on the plus strand (C>T on the coding strand, the complement: TRMT5 is on the minus strand). VCF-style: chr14-60976071-G-A. GRCh37 (hg19) VCF-style: chr14-61442789-G-A.
Other names: c.932C>T, p.Pro311Leu (NM_001350253.1); c.929C>T, p.Pro310Leu (NM_001350254.1); short protein forms P310L, P311L, P283L.
Identifiers: ClinVar variation 1922878 (VCV001922878.5), dbSNP rs2502986052, ClinGen allele CA389919968.